The following is an entry in ClinVar:

NC_000003.11:g.(?_97486952)_(97487094_?)del

Gene: ARL6 (ARF like GTPase 6; plus strand). Cytogenetic location: 3q11.2.
Variant type: Deletion.
Identifiers: ClinVar variation 3246908 (VCV003246908.1).

ClinVar aggregate classification (germline): Pathogenic (1 of 4 stars; one submission).

Conditions:
Retinitis pigmentosa 55 (RP55). Identifiers: Orphanet 791, MedGen C3150808, MONDO:0013312, OMIM 613575.
Bardet-Biedl syndrome 3 (BBS3). Identifiers: Orphanet 110, MedGen C1859564, MONDO:0010832, OMIM 600151.

Submission:

Labcorp Genetics (formerly Invitae), Labcorp
Classification: Pathogenic for Retinitis pigmentosa 55; Bardet-Biedl syndrome 3. Last evaluated: 2022-11-07. Review status: criteria provided, single submitter. Criteria: Invitae Variant Classification Sherloc (09022015). Collection method: clinical testing. Allele origin: unknown.
Comment: For these reasons, this variant has been classified as Pathogenic. This variant has not been reported in the literature in individuals affected with ARL6-related conditions. This variant is a gross deletion of the genomic region encompassing exon(s) 3 of the ARL6 gene, which includes the initiator codon. This deletion extends beyond the assayed region for this gene and therefore may encompass additional genes. It is expected to result in an absent or disrupted protein product. Loss-of-function variants in ARL6 are known to be pathogenic (PMID: 15258860, 19858128, 20142850, 22334370, 27486776, 31736247).

Literature cited by the submitters: PubMed 15258860; PubMed 19858128; PubMed 20142850; PubMed 22334370; PubMed 27486776; PubMed 31736247.